The following is an entry in ClinVar:

ClinVar aggregate classification (germline): Uncertain significance. Review status: criteria provided, multiple submitters, no conflicts (2 of 4 stars). 2 submissions from 2 submitters: Uncertain significance (2). Last evaluated 2025-04-10.

Conditions:
Inborn genetic diseases. Identifiers: MedGen C0950123, MeSH D030342.

Allele frequency attached by ClinVar (database versions not stated): gnomAD exomes 0.00002 and below 0.00001; TOPMed 0.00008; ESP Exome Variant Server 0.00023; ExAC 0.00002; gnomAD 0.00007.
gnomAD v4.1: 15 of 1,614,046 alleles (0.00093%); highest among the groups gnomAD compares: African/African-American, 0.019%; no homozygotes.

Submissions (2):

Ambry Genetics
Classification: Uncertain significance for Inborn genetic diseases. Last evaluated: 2025-04-10. Review status: criteria provided, single submitter. Criteria: Ambry Variant Classification Scheme 2023. Collection method: clinical testing. Allele origin: germline.

Labcorp Genetics (formerly Invitae), Labcorp
Classification: Uncertain significance. Last evaluated: 2022-06-27. Review status: criteria provided, single submitter. Criteria: Invitae Variant Classification Sherloc (09022015). Collection method: clinical testing. Allele origin: germline.
Comment: This sequence change replaces leucine, which is neutral and non-polar, with valine, which is neutral and non-polar, at codon 568 of the SLC26A3 protein (p.Leu568Val). This variant is present in population databases (rs143677801, gnomAD 0.02%). This variant has not been reported in the literature in individuals affected with SLC26A3-related conditions. Algorithms developed to predict the effect of missense changes on protein structure and function are either unavailable or do not agree on the potential impact of this missense change (SIFT: "Tolerated"; PolyPhen-2: "Probably Damaging"; Align-GVGD: "Class C0"). Algorithms developed to predict the effect of sequence changes on RNA splicing suggest that this variant may create or strengthen a splice site. In summary, the available evidence is currently insufficient to determine the role of this variant in disease. Therefore, it has been classified as a Variant of Uncertain Significance.

NM_000111.3(SLC26A3):c.1702C>G (p.Leu568Val)

Gene: SLC26A3 (solute carrier family 26 member 3; minus strand). Cytogenetic location: 7q22.3.
Variant type: single nucleotide variant.
Coding change: c.1702C>G on transcript NM_000111.3 (MANE Select); coding-DNA position 1702, C replaced by G.
Protein change: p.Leu568Val; replaces leucine 568 with valine.
Molecular consequence: missense variant.
Genome position (GRCh38, 1-based): chr7:107,774,848, G>C on the plus strand (C>G on the coding strand, the complement: SLC26A3 is on the minus strand). VCF-style: chr7-107774848-G-C. GRCh37 (hg19) VCF-style: chr7-107415293-G-C.
Other names: c.1702C>G (NM_000111.2); short protein forms L568V.
Identifiers: ClinVar variation 1509284 (VCV001509284.4), dbSNP rs143677801, ClinGen allele CA4433720.
Genomic context (GRCh38, chr7:107,774,848, plus strand): 5'-GTAGCAAGCCTTGCTTCTGCAGTTTTCGGATTTTCCTCAAAGCTTTGTTGCGCTTGCGTA[G>C]AATTCGAAGTGGACTAAAGCCAACCTGAGAAACCCATTGCTGTGTTACAAGAGTACTGAA-3'
Protein context (NP_000102.1, residues 558-578): DAVGFSPLRI[Leu568Val]RKRNKALRKI